The following is an entry in ClinVar:

NM_203446.3(SYNJ1):c.431A>C (p.Asn144Thr)

Gene: SYNJ1 (synaptojanin 1; minus strand). Cytogenetic location: 21q22.11.
Variant type: single nucleotide variant.
Coding change: c.431A>C on transcript NM_203446.3 (MANE Select); coding-DNA position 431, A replaced by C.
Protein change: p.Asn144Thr; replaces asparagine 144 with threonine.
Molecular consequence: missense variant.
Genome position (GRCh38, 1-based): chr21:32,699,886, T>G on the plus strand (A>C on the coding strand, the complement: SYNJ1 is on the minus strand). VCF-style: chr21-32699886-T-G. GRCh37 (hg19) VCF-style: chr21-34072196-T-G.
Other names: c.431A>C, p.Asn144Thr (NM_001160302.2, NM_001160306.2); c.548A>C, p.Asn183Thr (NM_003895.4); short protein forms N183T, N144T.
Identifiers: ClinVar variation 1397387 (VCV001397387.8), dbSNP rs1333594220, ClinGen allele CA410101217.

ClinVar aggregate classification (germline): Uncertain significance (1 of 4 stars; one submission).

Conditions:
Developmental and epileptic encephalopathy, 53. Also called: Epileptic encephalopathy, early infantile, 53. Identifiers: MedGen C4479313, MONDO:0033362, OMIM 617389.
Early-onset Parkinson disease 20. Also called: PARKINSON DISEASE 20, AUTOSOMAL RECESSIVE EARLY-ONSET. Identifiers: Orphanet 391411, MedGen C3809824, MONDO:0014233, OMIM 615530.

Allele frequency attached by ClinVar (database versions not stated): gnomAD exomes 0.00001; TOPMed 0.00001.
gnomAD v4.1: 5 of 1,614,048 alleles (0.00031%); highest among the groups gnomAD compares: Non-Finnish European, 0.00042%; no homozygotes.

Submission:

Labcorp Genetics (formerly Invitae), Labcorp
Classification: Uncertain significance for Developmental and epileptic encephalopathy, 53; Early-onset Parkinson disease 20. Last evaluated: 2022-11-22. Review status: criteria provided, single submitter. Criteria: Invitae Variant Classification Sherloc (09022015). Collection method: clinical testing. Allele origin: germline.
Comment: In summary, the available evidence is currently insufficient to determine the role of this variant in disease. Therefore, it has been classified as a Variant of Uncertain Significance. Advanced modeling of protein sequence and biophysical properties (such as structural, functional, and spatial information, amino acid conservation, physicochemical variation, residue mobility, and thermodynamic stability) performed at Invitae indicates that this missense variant is not expected to disrupt SYNJ1 protein function. ClinVar contains an entry for this variant (Variation ID: 1397387). This variant has not been reported in the literature in individuals affected with SYNJ1-related conditions. This variant is present in population databases (no rsID available, gnomAD 0.007%). This sequence change replaces asparagine, which is neutral and polar, with threonine, which is neutral and polar, at codon 183 of the SYNJ1 protein (p.Asn183Thr).